The following is an entry in ClinVar:

ClinVar aggregate classification (germline): Uncertain significance (1 of 4 stars; one submission).

Conditions:
Nemaline myopathy 6 (NEM6). Also called: Nemaline myopathy 6, autosomal dominant. Identifiers: Orphanet 171439, MedGen C1836472, MONDO:0012237, OMIM 609273.

Submission:

Labcorp Genetics (formerly Invitae), Labcorp
Classification: Uncertain significance for Nemaline myopathy 6. Last evaluated: 2023-08-02. Review status: criteria provided, single submitter. Criteria: Invitae Variant Classification Sherloc (09022015). Collection method: clinical testing. Allele origin: germline.
Comment: In summary, the available evidence is currently insufficient to determine the role of this variant in disease. Therefore, it has been classified as a Variant of Uncertain Significance. This variant has not been reported in the literature in individuals affected with KBTBD13-related conditions. This variant is not present in population databases (gnomAD no frequency). This variant, c.325_327dup, results in the insertion of 1 amino acid(s) of the KBTBD13 protein (p.Leu109dup), but otherwise preserves the integrity of the reading frame.

NM_001101362.3(KBTBD13):c.325_327dup (p.Leu109_Cys110insLeu)

Gene: KBTBD13 (kelch repeat and BTB domain containing 13; plus strand). Cytogenetic location: 15q22.31.
Variant type: Duplication.
Coding change: c.325_327dup on transcript NM_001101362.3 (MANE Select); coding-DNA positions 325 to 327, 3 bases duplicated (CTG; older notation c.325_327dupCTG).
Protein change: p.Leu109_Cys110insLeu.
Molecular consequence: inframe insertion.
Genome position (GRCh38, 1-based): chr15:65,077,140-65,077,142, CTG duplicated; duplicating any 3 consecutive bases within chr15:65,077,138-65,077,142 gives the same sequence; the c. name uses the placement nearest the transcript's 3' end. VCF-style (leftmost placement, unchanged base first): chr15-65077137-T-TTGC. GRCh37 (hg19) VCF-style: chr15-65369475-T-TTGC.
Identifiers: ClinVar variation 2832688 (VCV002832688.3), dbSNP rs2506306334, ClinGen allele CA2739269502.
Genomic context (GRCh38, chr15:65,077,137, plus strand): 5'-CTCCAGGCGCCGGCGCTGGCTCGCTTTCTGGAGCACAACCTCACGTCGGACAACTGCGCA[T>TTGC]TGCTGTGCGACGCGGCCGCCGCCTTCGGCCTGCGCGACGTGTTCCACAGTGCCGCGCTCT-3'